The following is an entry in ClinVar:

NM_153704.6(TMEM67):c.1426C>T (p.Pro476Ser)

Gene: TMEM67 (transmembrane protein 67; plus strand). Cytogenetic location: 8q22.1.
Variant type: single nucleotide variant.
Coding change: c.1426C>T on transcript NM_153704.6 (MANE Select); coding-DNA position 1426, C replaced by T.
Protein change: p.Pro476Ser; replaces proline 476 with serine.
Molecular consequence: missense variant. On other transcripts: non-coding transcript variant (1).
Genome position (GRCh38, 1-based): chr8:93,787,857, C>T. VCF-style: chr8-93787857-C-T. GRCh37 (hg19) VCF-style: chr8-94800085-C-T.
Other names: c.1183C>T, p.Pro395Ser (NM_001142301.1); short protein forms P395S, P476S.
Identifiers: ClinVar variation 216824 (VCV000216824.53), dbSNP rs145236803, ClinGen allele CA339041.

ClinVar aggregate classification (germline): Likely benign. Review status: criteria provided, multiple submitters, no conflicts (2 of 4 stars). 4 submissions from 4 submitters: Likely benign (3). 1 of the submissions does not count toward it. Last evaluated 2025-12-10.

Conditions:
TMEM67-related disorder. Also called: TMEM67-related condition; TMEM67-related disorders. Identifiers: MedGen CN239423.
Joubert syndrome. Also called: JOUBERT-BOLTSHAUSER SYNDROME; Familial aplasia of the vermis. Identifiers: Orphanet 475, MedGen C5979921, MONDO:0018772.
Meckel-Gruber syndrome. Also called: DYSENCEPHALIA SPLANCHNOCYSTICA; GRUBER SYNDROME; Dysencephalia splachnocystica. Identifiers: Orphanet 564, MedGen C0265215, MONDO:0018921.

Allele frequency attached by ClinVar (database versions not stated): 1000 Genomes Project 30x 0.00016; 1000 Genomes Project 0.00020; TOPMed 0.00021; gnomAD 0.00028 and 0.00029; gnomAD exomes 0.00048 and 0.00074; ESP Exome Variant Server 0.00069; ExAC 0.00110.
gnomAD v4.1: 745 of 1,613,188 alleles (0.046%); highest among the groups gnomAD compares: Non-Finnish European, 0.047%; 1 homozygote.

Submissions (4):

Labcorp Genetics (formerly Invitae), Labcorp
Classification: Likely benign for Joubert syndrome; Meckel-Gruber syndrome. Last evaluated: 2025-12-10. Review status: criteria provided, single submitter. Criteria: Invitae Variant Classification Sherloc (09022015). Collection method: clinical testing. Allele origin: germline.

Blueprint Genetics
Classification: Likely benign. Last evaluated: 2024-11-25. Review status: criteria provided, single submitter. Criteria: ACMG Guidelines, 2015. Collection method: clinical testing. Allele origin: germline.

CeGaT Center for Human Genetics Tuebingen
Classification: Likely benign. Last evaluated: 2023-02-01. Review status: criteria provided, single submitter. Criteria: CeGaT Center For Human Genetics Tuebingen Variant Classification Criteria Version 2. Collection method: clinical testing. Allele origin: germline. Affected: yes. Observed: 2 variant alleles.
Comment: TMEM67: BP4

PreventionGenetics, part of Exact Sciences
Classification: Likely benign for TMEM67-related condition. Last evaluated: 2024-09-24. Review status: no assertion criteria provided. Collection method: clinical testing. Allele origin: germline. Not counted in ClinVar's aggregate classification.
Comment: This variant is classified as likely benign based on ACMG/AMP sequence variant interpretation guidelines (Richards et al. 2015 PMID: 25741868, with internal and published modifications).